The following is an entry in ClinVar:

NM_020207.7(ERCC6L2):c.4174C>G (p.Arg1392Gly)

Gene: ERCC6L2 (ERCC excision repair 6 like 2; plus strand). Cytogenetic location: 9q22.32.
Variant type: single nucleotide variant.
Coding change: c.4174C>G on transcript NM_020207.7 (MANE Select); coding-DNA position 4174, C replaced by G.
Protein change: p.Arg1392Gly; replaces arginine 1392 with glycine.
Molecular consequence: missense variant. On other transcripts: non-coding transcript variant (1), intron variant (2).
Genome position (GRCh38, 1-based): chr9:96,012,724, C>G. VCF-style: chr9-96012724-C-G. GRCh37 (hg19) VCF-style: chr9-98775006-C-G.
Other names: c.3674+8023C>G (NM_001375291.1, NM_001375292.1); short protein forms R1392G.
Identifiers: ClinVar variation 3608410 (VCV003608410.2).
Genomic context (GRCh38, chr9:96,012,724, plus strand): 5'-AACAGCCAGGCATCCGAAGATACTGTGACATCCCGTTCTCTGAACAGTGAGTCTGAAACA[C>G]GTGAGAGAAGGTTAGAAAATACCATGAAAGACCAACAGGACCTCACAAGAACGGGCATTT-3'
Protein context (NP_064592.3, residues 1382-1402): SRSLNSESET[Arg1392Gly]ERRLENTMKD

ClinVar aggregate classification (germline): Uncertain significance (1 of 4 stars; one submission).

gnomAD v4.1: 4 of 1,367,324 alleles (0.00029%); highest among the groups gnomAD compares: Admixed American, 0.0076%; no homozygotes.

Submission:

Labcorp Genetics (formerly Invitae), Labcorp
Classification: Uncertain significance. Last evaluated: 2024-11-18. Review status: criteria provided, single submitter. Criteria: Invitae Variant Classification Sherloc (09022015). Collection method: clinical testing. Allele origin: germline.
Comment: This sequence change replaces arginine, which is basic and polar, with glycine, which is neutral and non-polar, at codon 1403 of the ERCC6L2 protein (p.Arg1403Gly). This variant is present in population databases (no rsID available, gnomAD 0.006%). This variant has not been reported in the literature in individuals affected with ERCC6L2-related conditions. Experimental studies and prediction algorithms are not available or were not evaluated, and the functional significance of this variant is currently unknown. In summary, the available evidence is currently insufficient to determine the role of this variant in disease. Therefore, it has been classified as a Variant of Uncertain Significance.